The following is an entry in ClinVar:

ClinVar aggregate classification (germline): Uncertain significance (1 of 4 stars; one submission).

Allele frequency attached by ClinVar (database versions not stated): gnomAD exomes 0.00001; TOPMed 0.00001; gnomAD 0.00002.
gnomAD v4.1: 14 of 1,547,556 alleles (0.0009%); highest among the groups gnomAD compares: African/African-American, 0.0041%; no homozygotes.

Submission:

Labcorp Genetics (formerly Invitae), Labcorp
Classification: Uncertain significance. Last evaluated: 2022-04-13. Review status: criteria provided, single submitter. Criteria: Invitae Variant Classification Sherloc (09022015). Collection method: clinical testing. Allele origin: germline.
Comment: This variant is present in population databases (no rsID available, gnomAD 0.006%). This sequence change replaces isoleucine, which is neutral and non-polar, with valine, which is neutral and non-polar, at codon 227 of the MICU1 protein (p.Ile227Val). This variant has not been reported in the literature in individuals affected with MICU1-related conditions. Algorithms developed to predict the effect of missense changes on protein structure and function are either unavailable or do not agree on the potential impact of this missense change (SIFT: "Tolerated"; PolyPhen-2: "Not Available"; Align-GVGD: "Class C15"). In summary, the available evidence is currently insufficient to determine the role of this variant in disease. Therefore, it has been classified as a Variant of Uncertain Significance.

NM_001195518.2(MICU1):c.673A>G (p.Ile225Val)

Gene: MICU1 (mitochondrial calcium uptake 1; minus strand). Cytogenetic location: 10q22.1.
Variant type: single nucleotide variant.
Coding change: c.673A>G on transcript NM_001195518.2 (MANE Select); coding-DNA position 673, A replaced by G.
Protein change: p.Ile225Val; replaces isoleucine 225 with valine.
Molecular consequence: missense variant.
Genome position (GRCh38, 1-based): chr10:72,477,236, T>C on the plus strand (A>G on the coding strand, the complement: MICU1 is on the minus strand). VCF-style: chr10-72477236-T-C. GRCh37 (hg19) VCF-style: chr10-74236994-T-C.
Other names: c.79A>G, p.Ile27Val (NM_001195519.2); c.691A>G, p.Ile231Val (NM_001363513.2); c.679A>G, p.Ile227Val (NM_006077.4); short protein forms I225V, I231V, I27V, I227V.
Identifiers: ClinVar variation 1941316 (VCV001941316.3), dbSNP rs1264853847, ClinGen allele CA377393175.
Genomic context (GRCh38, chr10:72,477,236, plus strand): 5'-GTTCAAATTCTTCCATATCTACTTCTCCATCTCCATTCAAATCAAACATCTTGAAGGCAA[T>C]TTCAAAATTTCTCTGAGGAGCTGCAGAGGAGAGAAAAAAAATATTTAGAAGGCATTGACC-3'
Protein context (NP_001182447.1, residues 215-235): VLSTPQRNFE[Ile225Val]AFKMFDLNGD